The following is an entry in ClinVar:

NM_004360.5(CDH1):c.2444del (p.Leu815fs)

Gene: CDH1 (cadherin 1; plus strand). Cytogenetic location: 16q22.1.
Variant type: Deletion.
Coding change: c.2444del on transcript NM_004360.5 (MANE Select); coding-DNA position 2444, one base deleted (T; older notation c.2444delT).
Protein change: p.Leu815fs; shifts the reading frame from leucine 815.
Molecular consequence: frameshift variant.
Genome position (GRCh38, 1-based): chr16:68,833,294, T deleted. VCF-style (leftmost placement, unchanged base first): chr16-68833293-CT-C. GRCh37 (hg19) VCF-style: chr16-68867196-CT-C.
Other names: c.479del, p.Leu160fs (NM_001317186.2); c.896del, p.Leu299fs (NM_001317185.2); c.2261del, p.Leu754fs (NM_001317184.2); short protein forms L160fs, L299fs, L815fs, L754fs.
Identifiers: ClinVar variation 639333 (VCV000639333.9), dbSNP rs1596976114, ClinGen allele CA915949332.
Genomic context (GRCh38, chr16:68,833,293, plus strand): 5'-AGATGACAGGTGTGCCCTTCCTTTCACTAAAAGATGCTTTTGTCCCTTCTTCTTTAGAAT[CT>C]GAAAGCGGCTGATACTGACCCCACAGCCCCGCCTTATGATTCTCTGCTCGTGTTTGACTA-3'

ClinVar aggregate classification (germline): Likely pathogenic (1 of 4 stars; one submission).

Conditions:
Hereditary diffuse gastric adenocarcinoma (HDGC). Also called: DIFFUSE GASTRIC AND LOBULAR BREAST CANCER SYNDROME. Identifiers: Orphanet 26106, MedGen C1708349, MONDO:0007648, OMIM 137215.

Submission:

Labcorp Genetics (formerly Invitae), Labcorp
Classification: Likely pathogenic for Hereditary diffuse gastric adenocarcinoma. Last evaluated: 2018-08-21. Review status: criteria provided, single submitter. Criteria: Invitae Variant Classification Sherloc (09022015). Collection method: clinical testing. Allele origin: germline.
Comment: This sequence change results in a premature translational stop signal in the CDH1 gene (p.Leu815Argfs*31). While this is not anticipated to result in nonsense mediated decay, it is expected to disrupt the last 68 amino acids of the CDH1 protein. This variant is not present in population databases (ExAC no frequency). This variant has not been reported in the literature in individuals with CDH1-related disease. In summary, the currently available evidence indicates that the variant is pathogenic, but additional data are needed to prove that conclusively. Therefore, this variant has been classified as Likely Pathogenic. This variant is expected to disrupt the C-terminal portion of the cytoplasmic domain of the CDH1 (E-cadherin) protein, which includes the binding domains for the PIP5K1C (phosphatidylinositol phosphate kinase, type I gamma) and CTNNB1 (beta-catenin) proteins (PMID: 22850631). Loss of these domains is expected to disrupt normal E-cadherin function (PMID: 17261850, 10037790). This suggests that deletion of this region of the CDH1 protein could be causative of disease. A different truncation (p.Glu836*) that lies downstream of this variant has been determined to be likely pathogenic (PMID: 29798843). This suggests that deletion of this region of the CDH1 protein is causative of disease.

Literature cited by the submitters: PubMed 22850631; PubMed 17261850; PubMed 10037790; PubMed 29798843.